The following is an entry in ClinVar:

NM_000784.4(CYP27A1):c.283A>G (p.Met95Val)

Gene: CYP27A1 (cytochrome P450 family 27 subfamily A member 1; plus strand). Cytogenetic location: 2q35.
Variant type: single nucleotide variant.
Coding change: c.283A>G on transcript NM_000784.4 (MANE Select); coding-DNA position 283, A replaced by G.
Protein change: p.Met95Val; replaces methionine 95 with valine.
Molecular consequence: missense variant.
Genome position (GRCh38, 1-based): chr2:218,809,604, A>G. VCF-style: chr2-218809604-A-G. GRCh37 (hg19) VCF-style: chr2-219674327-A-G.
Other names: p.Met95Val; c.283A>G (NM_000784.3); short protein forms M95V.
Identifiers: ClinVar variation 1479912 (VCV001479912.11), dbSNP rs372772968, ClinGen allele CA2112562.

ClinVar aggregate classification (germline): Conflicting classifications of pathogenicity. Review status: criteria provided, conflicting classifications (1 of 4 stars). 4 submissions from 4 submitters: Uncertain significance (3); Likely benign (1). Last evaluated 2025-09-25.

Conditions:
Cardiovascular phenotype. Identifiers: MedGen CN230736.
Cholestanol storage disease (CTX). Also called: Cerebrotendinous Xanthomatosis; CEREBRAL CHOLESTERINOSIS; CTX: Cerebrotendinous xanthomatosis. Identifiers: Orphanet 909, MedGen C0238052, MONDO:0008948, OMIM 213700.

Allele frequency attached by ClinVar (database versions not stated): ExAC 0.00001; gnomAD exomes 0.00001; gnomAD 0.00005; TOPMed 0.00005; ESP Exome Variant Server 0.00008.
gnomAD v4.1: 117 of 1,613,986 alleles (0.0072%); highest among the groups gnomAD compares: Non-Finnish European, 0.0094%; no homozygotes.

Submissions (4):

Ambry Genetics
Classification: Uncertain significance for Cardiovascular phenotype. Last evaluated: 2025-09-25. Review status: criteria provided, single submitter. Criteria: Ambry Variant Classification Scheme 2023. Collection method: clinical testing. Allele origin: germline.

Genomic Medicine Center of Excellence, King Faisal Specialist Hospital and Research Centre
Classification: Likely benign for Cholestanol storage disease. Last evaluated: 2025-09-10. Review status: criteria provided, single submitter. Criteria: ACMG Guidelines, 2015. Collection method: clinical testing. Allele origin: germline.

Mayo Clinic Laboratories, Mayo Clinic
Classification: Uncertain significance. Last evaluated: 2024-08-01. Review status: criteria provided, single submitter. Criteria: ACMG Guidelines, 2015. Collection method: clinical testing. Allele origin: germline. Observed: 2 variant alleles.

Labcorp Genetics (formerly Invitae), Labcorp
Classification: Uncertain significance for Cholestanol storage disease. Last evaluated: 2024-01-08. Review status: criteria provided, single submitter. Criteria: Invitae Variant Classification Sherloc (09022015). Collection method: clinical testing. Allele origin: germline.
Comment: This sequence change replaces methionine, which is neutral and non-polar, with valine, which is neutral and non-polar, at codon 95 of the CYP27A1 protein (p.Met95Val). This variant is present in population databases (rs372772968, gnomAD 0.004%). This variant has not been reported in the literature in individuals affected with CYP27A1-related conditions. ClinVar contains an entry for this variant (Variation ID: 1479912). Advanced modeling of protein sequence and biophysical properties (such as structural, functional, and spatial information, amino acid conservation, physicochemical variation, residue mobility, and thermodynamic stability) performed at Invitae indicates that this missense variant is not expected to disrupt CYP27A1 protein function with a negative predictive value of 95%. In summary, the available evidence is currently insufficient to determine the role of this variant in disease. Therefore, it has been classified as a Variant of Uncertain Significance.